The following is an entry in ClinVar:

ClinVar aggregate classification (germline): Likely benign (1 of 4 stars; one submission).

Submission:

Mayo Clinic Laboratories, Mayo Clinic
Classification: Likely benign. Last evaluated: 2024-11-25. Review status: criteria provided, single submitter. Criteria: ACMG Guidelines, 2015. Collection method: clinical testing. Allele origin: germline. Observed: 1 variant allele.
Comment: BP4, BP7

NM_001081.4(CUBN):c.6463-24_6463-22delinsGGC

Gene: CUBN (cubilin; minus strand). Cytogenetic location: 10p13.
Variant type: Indel.
Coding change: c.6463-24_6463-22delinsGGC on transcript NM_001081.4 (MANE Select); 24 bases into the intron before coding-DNA position 6463 through 22 bases into the intron before coding-DNA position 6463, TGA replaced by GGC.
Molecular consequence: intron variant.
Genome position (GRCh38, 1-based): chr10:16,925,446-16,925,448, TCA replaced by GCC on the plus strand (TGA replaced by GGC on the coding strand, the reverse complement: CUBN is on the minus strand). VCF-style: chr10-16925446-TCA-GCC. GRCh37 (hg19) VCF-style: chr10-16967445-TCA-GCC.
Other names: p.?.
Identifiers: ClinVar variation 4683490 (VCV004683490.1).